The following is an entry in ClinVar:

NM_153460.4(IL17RC):c.2047C>T (p.Gln683Ter)

Genes: IL17RC (interleukin 17 receptor C; plus strand), LOC129936144 (ATAC-STARR-seq lymphoblastoid silent region 14051; plus strand). Cytogenetic location: 3p25.3.
Variant type: single nucleotide variant.
Coding change: c.2047C>T on transcript NM_153460.4 (MANE Select); coding-DNA position 2047, C replaced by T.
Protein change: p.Gln683Ter; replaces glutamine 683 with a stop codon.
Molecular consequence: nonsense. On other transcripts: non-coding transcript variant (1).
Genome position (GRCh38, 1-based): chr3:9,933,477, C>T. VCF-style: chr3-9933477-C-T. GRCh37 (hg19) VCF-style: chr3-9975161-C-T.
Other names: c.2008C>T, p.Gln670Ter (NM_001203263.2); c.1957C>T, p.Gln653Ter (NM_001203264.2); c.1951C>T, p.Gln651Ter (NM_001203265.2); c.1969C>T, p.Gln657Ter (NM_001367278.1); c.1888C>T, p.Gln630Ter (NM_001367279.1); c.1963C>T, p.Gln655Ter (NM_001367280.1); c.2002C>T, p.Gln668Ter (NM_032732.6); c.2260C>T, p.Gln754Ter (NM_153461.4); short protein forms Q670*, Q630*, Q653*, Q651*, Q655*, Q657*, Q668*, Q683*.
Identifiers: ClinVar variation 951447 (VCV000951447.7), dbSNP rs2084999838, ClinGen allele CA351709415.
Genomic context (GRCh38, chr3:9,933,477, plus strand): 5'-CTGGGGGCCCTGCAGCAGCCTCGCGCCCCGCGTTCCGGGCGGCTCCAAGAGAGAGCGGAG[C>T]AAGTGTCCCGGGCCCTTCAGCCAGCCCTGGATAGCTACTTCCATCCCCCGGGGACTCCCG-3'

ClinVar aggregate classification (germline): Uncertain significance (1 of 4 stars; one submission).

Conditions:
Candidiasis, familial, 9 (CANDF9). Identifiers: Orphanet 1334, MedGen C4225324, MONDO:0014642, OMIM 616445.

Submission:

Labcorp Genetics (formerly Invitae), Labcorp
Classification: Uncertain significance for Candidiasis, familial, 9. Last evaluated: 2019-11-10. Review status: criteria provided, single submitter. Criteria: Invitae Variant Classification Sherloc (09022015). Collection method: clinical testing. Allele origin: germline.
Comment: In summary, the available evidence is currently insufficient to determine the role of this variant in disease. Therefore, it has been classified as a Variant of Uncertain Significance. Experimental studies and prediction algorithms are not available for this variant, and the functional significance of the affected amino acid(s) is currently unknown. This variant has not been reported in the literature in individuals with IL17RC-related conditions. This variant is not present in population databases (ExAC no frequency). This sequence change results in a premature translational stop signal in the IL17RC gene (p.Gln754*). While this is not anticipated to result in nonsense mediated decay, it is expected to disrupt the last 38 amino acids of the IL17RC protein.